The following is an entry in ClinVar:

ClinVar aggregate classification (germline): Uncertain significance. Review status: criteria provided, multiple submitters, no conflicts (2 of 4 stars). 2 submissions from 2 submitters: Uncertain significance (2). Last evaluated 2024-04-06.

Allele frequency attached by ClinVar (database versions not stated): TOPMed 0.00001.
gnomAD v4.1: 4 of 1,601,564 alleles (0.00025%); no homozygotes.

Submissions (2):

Ambry Genetics
Classification: Uncertain significance. Last evaluated: 2024-04-06. Review status: criteria provided, single submitter. Criteria: Ambry Variant Classification Scheme 2023. Collection method: clinical testing. Allele origin: germline.

Labcorp Genetics (formerly Invitae), Labcorp
Classification: Uncertain significance. Last evaluated: 2023-08-04. Review status: criteria provided, single submitter. Criteria: Invitae Variant Classification Sherloc (09022015). Collection method: clinical testing. Allele origin: germline.
Comment: In summary, the available evidence is currently insufficient to determine the role of this variant in disease. Therefore, it has been classified as a Variant of Uncertain Significance. Algorithms developed to predict the effect of missense changes on protein structure and function output the following: SIFT: "Not Available"; PolyPhen-2: "Benign"; Align-GVGD: "Not Available". The valine amino acid residue is found in multiple mammalian species, which suggests that this missense change does not adversely affect protein function. ClinVar contains an entry for this variant (Variation ID: 1403965). This variant has not been reported in the literature in individuals affected with TAOK2-related conditions. This variant is not present in population databases (gnomAD no frequency). This sequence change replaces alanine, which is neutral and non-polar, with valine, which is neutral and non-polar, at codon 1057 of the TAOK2 protein (p.Ala1057Val).

NM_016151.4(TAOK2):c.3170C>T (p.Ala1057Val)

Gene: TAOK2 (TAO kinase 2; plus strand). Cytogenetic location: 16p11.2.
Variant type: single nucleotide variant.
Coding change: c.3170C>T on transcript NM_016151.4 (MANE Select); coding-DNA position 3170, C replaced by T.
Protein change: p.Ala1057Val; replaces alanine 1057 with valine.
Molecular consequence: missense variant. On other transcripts: intron variant (1).
Genome position (GRCh38, 1-based): chr16:29,987,442, C>T. VCF-style: chr16-29987442-C-T. GRCh37 (hg19) VCF-style: chr16-29998763-C-T.
Other names: c.3170C>T (NM_016151.2); c.2831C>T, p.Ala944Val (NM_001252043.2); c.2232+938C>T (NM_004783.4); short protein forms A944V, A1057V.
Identifiers: ClinVar variation 1403965 (VCV001403965.7), dbSNP rs1432713751, ClinGen allele CA395498852.